The following is an entry in ClinVar:

ClinVar aggregate classification (germline): Uncertain significance (1 of 4 stars; one submission).

Conditions:
Dilated cardiomyopathy 1G (CMD1G). Identifiers: Orphanet 154, MedGen C1858763, MONDO:0011400, OMIM 604145.
Autosomal recessive limb-girdle muscular dystrophy type 2J (LGMDR10). Also called: Limb-girdle muscular dystrophy, type 2J; MUSCULAR DYSTROPHY, LIMB-GIRDLE, AUTOSOMAL RECESSIVE 10. Identifiers: Orphanet 140922, MedGen C1837342, MONDO:0012127, OMIM 608807.

Submission:

Labcorp Genetics (formerly Invitae), Labcorp
Classification: Uncertain significance for Dilated cardiomyopathy 1G; Autosomal recessive limb-girdle muscular dystrophy type 2J. Last evaluated: 2025-11-12. Review status: criteria provided, single submitter. Criteria: Invitae Variant Classification Sherloc (09022015). Collection method: clinical testing. Allele origin: germline.
Comment: This sequence change replaces glutamic acid, which is acidic and polar, with lysine, which is basic and polar, at codon 33712 of the TTN protein (p.Glu33712Lys). This variant is not present in population databases (gnomAD no frequency). This variant has not been reported in the literature in individuals affected with TTN-related conditions. ClinVar contains an entry for this variant (Variation ID: 2927828). Experimental studies and prediction algorithms are not available or were not evaluated, and the functional significance of this variant is currently unknown. This variant is located in the M band of TTN (PMID: 25589632). Non-truncating variants in this region may be relevant for neuromuscular disorders, but have not been definitively shown to cause cardiomyopathy (PMID: 23975875). In summary, the available evidence is currently insufficient to determine the role of this variant in disease. Therefore, it has been classified as a Variant of Uncertain Significance.

Literature cited by the submitters: PubMed 25589632; PubMed 23975875.

NM_001267550.2(TTN):c.101134G>A (p.Glu33712Lys)

Genes: TTN-AS1 (TTN antisense RNA 1; plus strand), TTN (titin; minus strand). Cytogenetic location: 2q31.2.
Variant type: single nucleotide variant.
Coding change: c.101134G>A on transcript NM_001267550.2 (MANE Select); coding-DNA position 101134, G replaced by A.
Protein change: p.Glu33712Lys; replaces glutamic acid 33712 with lysine.
Molecular consequence: missense variant.
Genome position (GRCh38, 1-based): chr2:178,535,481, C>T on the plus strand (G>A on the coding strand, the complement: TTN is on the minus strand). VCF-style: chr2-178535481-C-T. GRCh37 (hg19) VCF-style: chr2-179400208-C-T.
Other names: c.96211G>A, p.Glu32071Lys (NM_001256850.1); c.73939G>A, p.Glu24647Lys (NM_003319.4); c.93430G>A, p.Glu31144Lys (NM_133378.4); c.74314G>A, p.Glu24772Lys (NM_133432.3); c.74515G>A, p.Glu24839Lys (NM_133437.4); short protein forms E24839K, E24647K, E24772K, E31144K, E32071K, E33712K.
Identifiers: ClinVar variation 2927828 (VCV002927828.3), dbSNP rs2468576503, ClinGen allele CA349421594.